The following is an entry in ClinVar:

NM_000548.5(TSC2):c.911G>T (p.Trp304Leu)

Gene: TSC2 (TSC complex subunit 2; plus strand). Cytogenetic location: 16p13.3.
Variant type: single nucleotide variant.
Coding change: c.911G>T on transcript NM_000548.5 (MANE Select); coding-DNA position 911, G replaced by T.
Protein change: p.Trp304Leu; replaces tryptophan 304 with leucine.
Molecular consequence: missense variant.
Genome position (GRCh38, 1-based): chr16:2,058,809, G>T. VCF-style: chr16-2058809-G-T. GRCh37 (hg19) VCF-style: chr16-2108810-G-T.
Other names: c.911G>T, p.Trp304Leu (NM_001077183.3, NM_001114382.3, NM_001363528.2 and 6 more transcripts); c.800G>T, p.Trp267Leu (NM_001318827.2, NM_001406670.1, NM_001406678.1); c.764G>T, p.Trp255Leu (NM_001318829.2, NM_001406675.1, NM_001406676.1 and 1 more transcripts); c.311G>T, p.Trp104Leu (NM_001318831.2, NM_001406680.1, NM_001406682.1 and 6 more transcripts); c.944G>T, p.Trp315Leu (NM_001318832.2); c.1001G>T, p.Trp334Leu (NM_001406667.1, NM_001406668.1); c.899G>T, p.Trp300Leu (NM_001406671.1, NM_001406673.1); c.854G>T, p.Trp285Leu (NM_001406677.1); and 4 more; short protein forms W104L, W150L, W255L, W267L, W285L, W300L, W304L, W315L.
Identifiers: ClinVar variation 1707363 (VCV001707363.2), dbSNP rs45517140, ClinGen allele CA394315325.
Genomic context (GRCh38, chr16:2,058,809, plus strand): 5'-CCTACATGGAGGACGCGCCCCTGCTGAGAGGAGCCGTGTTTTTTGTGGGCATGGCTCTCT[G>T]GGGAGCCCACCGGCTCTATTCTCTCAGGAACTCGCCGACATCTGTGTTGCCATCATTTTA-3'
Protein context (NP_000539.2, residues 294-314): GAVFFVGMAL[Trp304Leu]GAHRLYSLRN

ClinVar aggregate classification (germline): Uncertain significance (1 of 4 stars; one submission).

Submission:

GeneDx
Classification: Uncertain significance. Last evaluated: 2022-03-26. Review status: criteria provided, single submitter. Criteria: GeneDx Variant Classification Process June 2021. Collection method: clinical testing. Allele origin: germline. Affected: yes.
Comment: Not observed at significant frequency in large population cohorts (gnomAD); In silico analysis supports that this missense variant has a deleterious effect on protein structure/function; Has not been previously published as pathogenic or benign to our knowledge